The following is an entry in ClinVar:

NM_018117.12(WDR11):c.3080A>T (p.Tyr1027Phe)

Gene: WDR11 (WD repeat domain 11; plus strand). Cytogenetic location: 10q26.12.
Variant type: single nucleotide variant.
Coding change: c.3080A>T on transcript NM_018117.12 (MANE Select); coding-DNA position 3080, A replaced by T.
Protein change: p.Tyr1027Phe; replaces tyrosine 1027 with phenylalanine.
Molecular consequence: missense variant.
Genome position (GRCh38, 1-based): chr10:120,904,698, A>T. VCF-style: chr10-120904698-A-T. GRCh37 (hg19) VCF-style: chr10-122664210-A-T.
Other names: short protein forms Y1027F.
Identifiers: ClinVar variation 4082541 (VCV004082541.2).

ClinVar aggregate classification (germline): Uncertain significance (1 of 4 stars; one submission).

gnomAD v4.1: 3 of 1,614,206 alleles (0.00019%); highest among the groups gnomAD compares: South Asian, 0.0033%; no homozygotes.

Submission:

Genetic Services Laboratory, University of Chicago
Classification: Uncertain significance. Last evaluated: 2023-02-28. Review status: criteria provided, single submitter. Criteria: ACMG Guidelines, 2015. Collection method: clinical testing. Allele origin: germline. Affected: no.
Comment: DNA sequence analysis of the WDR11 gene demonstrated a sequence change, c.3080A>T, in exon 25 that results in an amino acid change, p.Tyr1027Phe. This sequence change does not appear to have been previously described in individuals with WDR11-related disorders and has also not been described in population databases such as ExAC and gnomAD. The p.Tyr1027Phe change affects a highly conserved amino acid residue located in a domain of the WDR11 protein that is known to be functional. In-silico pathogenicity prediction tools (SIFT, PolyPhen2, Align GVGD, REVEL) provide contradictory results for the p.Tyr1027Phe substitution. Due to insufficient evidences and the lack of functional studies, the clinical significance of the p.Tyr1027Phe change remains unknown at this time.